The following is an entry in ClinVar:

ClinVar aggregate classification (germline): Uncertain significance (1 of 4 stars; one submission).

Allele frequency attached by ClinVar (database versions not stated): gnomAD exomes below 0.00001.
gnomAD v4.1: 4 of 1,613,636 alleles (0.00025%); highest among the groups gnomAD compares: African/African-American, 0.0053%; no homozygotes.

Submission:

Labcorp Genetics (formerly Invitae), Labcorp
Classification: Uncertain significance. Last evaluated: 2021-03-23. Review status: criteria provided, single submitter. Criteria: Invitae Variant Classification Sherloc (09022015). Collection method: clinical testing. Allele origin: germline.
Comment: In summary, the available evidence is currently insufficient to determine the role of this variant in disease. Therefore, it has been classified as a Variant of Uncertain Significance. Algorithms developed to predict the effect of missense changes on protein structure and function (SIFT, PolyPhen-2, Align-GVGD) all suggest that this variant is likely to be tolerated, but these predictions have not been confirmed by published functional studies and their clinical significance is uncertain. This variant has not been reported in the literature in individuals with FBLN5-related conditions. This variant is not present in population databases (ExAC no frequency). This sequence change replaces serine with glycine at codon 246 of the FBLN5 protein (p.Ser246Gly). The serine residue is moderately conserved and there is a small physicochemical difference between serine and glycine.

NM_006329.4(FBLN5):c.736A>G (p.Ser246Gly)

Gene: FBLN5 (fibulin 5; minus strand). Cytogenetic location: 14q32.12.
Variant type: single nucleotide variant.
Coding change: c.736A>G on transcript NM_006329.4 (MANE Select); coding-DNA position 736, A replaced by G.
Protein change: p.Ser246Gly; replaces serine 246 with glycine.
Molecular consequence: missense variant.
Genome position (GRCh38, 1-based): chr14:91,887,196, T>C on the plus strand (A>G on the coding strand, the complement: FBLN5 is on the minus strand). VCF-style: chr14-91887196-T-C. GRCh37 (hg19) VCF-style: chr14-92353540-T-C.
Other names: c.859A>G, p.Ser287Gly (NM_001384158.1); c.787A>G, p.Ser263Gly (NM_001384159.1); c.736A>G, p.Ser246Gly (NM_001384160.1); c.568A>G, p.Ser190Gly (NM_001384161.1, NM_001384162.1); short protein forms S287G, S190G, S263G, S246G.
Identifiers: ClinVar variation 1473957 (VCV001473957.8), dbSNP rs1595301612, ClinGen allele CA390642532.
Genomic context (GRCh38, chr14:91,887,196, plus strand): 5'-CAACCCCTGCCCAGGCCCCAAGTACAGGTGGAAGTTTCCAATGCGAAAGCCCATTACCAC[T>C]GCAATGAACGCCATCTTCCTCAAGTTCATATCCTGGGTCACAGCGGCAGATGAAAGAGCC-3'
Protein context (NP_006320.2, residues 236-256): YELEEDGVHC[Ser246Gly]DMDECSFSEF